The following continues an entry in ClinVar:

NM_016146.6(TRAPPC4):c.454+3A>G

Gene: TRAPPC4. ClinVar aggregate classification (germline): Pathogenic/Likely pathogenic. Pathogenic (14); Likely pathogenic (1).

Submissions 12 to 16 of 16:

Broad Center for Mendelian Genomics, Broad Institute of MIT and Harvard
Classification: Pathogenic for Neurodevelopmental disorder with progressive microcephaly, spasticity, and brain anomalies. Last evaluated: 2020-11-16. Review status: criteria provided, single submitter. Criteria: ACMG Guidelines, 2015. Collection method: curation. Allele origin: germline. Inheritance: Autosomal recessive inheritance.
Comment: This individual along with at least another 22 affected individuals from 16 families were reported in the literature (PMID: 32901138, 31794024, 32125366). This variant has also been identified in 0.04% (50/128792) of European non-Finnish chromosomes by the Genome Aggregation Database (gnomAD; dbSNP ID: rs375776811). Although this variant has been seen in the general population in a heterozygous state, its frequency is not high enough to rule out a pathogenic role. In addition, this variant has also been reported in ClinVar (Variation ID#: 812649) and has been interpreted as pathogenic by OMIM. Of the at least 23 affected individuals, all were homozygotes, which increases the likelihood that the c.454+3A>G variant is pathogenic (PMID: 32901138, 31794024, 32125366). In vitro functional studies provide some evidence that the variant may impact protein function (PMID: 31794024). However, these types of assays may not accurately represent biological function. RNAseq analysis performed on fibroblast cells from an affected patient shows alternative splicing in 59% of the reads and predicted to lead to skipping of exon 3 (PMID: 32901138). In summary, this variant meets criteria to be classified as pathogenic for autosomal recessive early-infantile neurodegenerative syndrome. ACMG/AMP Criteria applied: PS3, PM3, PP1_strong (Richards 2015).

Undiagnosed Diseases Network, NIH
Classification: Pathogenic for Neurodevelopmental disorder with epilepsy, spasticity, and brain atrophy. Last evaluated: 2020-04-14. Review status: criteria provided, single submitter. Criteria: ACMG Guidelines, 2015. Collection method: clinical testing. Allele origin: inherited. Inheritance: Autosomal recessive inheritance. Affected: yes. Observed: 1 variant allele, 1 homozygote. Study: Undiagnosed Diseases Network (NIH), UDN.

HudsonAlpha Institute for Biotechnology
Classification: Pathogenic for Neurodevelopmental disorder with epilepsy, spasticity, and brain atrophy. Review status: criteria provided, single submitter. Criteria: ACMG Guidelines, 2015. Collection method: research. Allele origin: biparental. Affected: yes. Observed: 1 variant allele. Study: CSER-HudsonAlpha.

Laboratoire de Génétique Moléculaire, CHU Bordeaux
Classification: Pathogenic. Review status: criteria provided, single submitter. Criteria: ACMG Guidelines, 2015. Collection method: clinical testing. Allele origin: germline. Affected: yes.

OMIM
Classification: Pathogenic for NEURODEVELOPMENTAL DISORDER WITH EPILEPSY, SPASTICITY, AND BRAIN ATROPHY. Last evaluated: 2023-02-28. Review status: no assertion criteria provided. Collection method: literature only. Allele origin: germline. Not counted in ClinVar's aggregate classification.

Literature cited by the submitters: PubMed 32901138 (cited by 6 submitters); PubMed 31794024 (cited by 6 submitters); PubMed 32125366 (cited by 4 submitters); Van Bergen, N. J. Personal Communication. 2020. Melbourne, Australia (cited by OMIM).